The following is an entry in ClinVar:

ClinVar aggregate classification (germline): Benign/Likely benign. Review status: criteria provided, multiple submitters, no conflicts (2 of 4 stars). 12 submissions from 12 submitters: Benign (2); Likely benign (7). 3 of the submissions do not count toward it. Last evaluated 2026-05-01.

Conditions:
Wolfram syndrome 1 (WFS1). Identifiers: Orphanet 3463, MedGen C4551693, MONDO:0009101, OMIM 222300.

Allele frequency attached by ClinVar (database versions not stated): gnomAD exomes 0.00008 and 0.00019; ESP Exome Variant Server 0.00015; ExAC 0.00021; 1000 Genomes Project 0.00040; gnomAD 0.00040 and 0.00041; TOPMed 0.00046; 1000 Genomes Project 30x 0.00047.
gnomAD v4.1: 194 of 1,612,698 alleles (0.012%); highest among the groups gnomAD compares: African/African-American, 0.13%; 2 homozygotes.

Submissions (12):

CeGaT Center for Human Genetics Tuebingen
Classification: Likely benign. Last evaluated: 2026-05-01. Review status: criteria provided, single submitter. Criteria: CeGaT Center For Human Genetics Tuebingen Variant Classification Criteria Version 2. Collection method: clinical testing. Allele origin: germline. Affected: yes. Observed: 1 variant allele.
Comment: WFS1: BP4, BP7

Labcorp Genetics (formerly Invitae), Labcorp
Classification: Benign. Last evaluated: 2025-12-24. Review status: criteria provided, single submitter. Criteria: Invitae Variant Classification Sherloc (09022015). Collection method: clinical testing. Allele origin: germline.

Women's Health and Genetics/Laboratory Corporation of America, LabCorp
Classification: Likely benign. Last evaluated: 2025-11-12. Review status: criteria provided, single submitter. Criteria: LabCorp Variant Classification Summary - May 2015. Collection method: clinical testing. Allele origin: germline.

Blueprint Genetics
Classification: Likely benign. Last evaluated: 2024-11-06. Review status: criteria provided, single submitter. Criteria: ACMG Guidelines, 2015. Collection method: clinical testing. Allele origin: germline.

Genetic Services Laboratory, University of Chicago
Classification: Likely benign. Last evaluated: 2021-07-29. Review status: criteria provided, single submitter. Criteria: ACMG Guidelines, 2015. Collection method: clinical testing. Allele origin: germline. Affected: no.

GeneDx
Classification: Likely benign. Last evaluated: 2020-05-05. Review status: criteria provided, single submitter. Criteria: GeneDx Variant Classification Process June 2021. Collection method: clinical testing. Allele origin: germline. Affected: yes.

Laboratory for Molecular Medicine, Mass General Brigham Personalized Medicine
Classification: Likely benign. Last evaluated: 2012-04-30. Review status: criteria provided, single submitter. Criteria: LMM Criteria. Collection method: clinical testing. Allele origin: germline. Observed: 1 variant allele.
Comment: Leu734Leu in Exon 08 of WFS1: This variant is not expected to have clinical sign ificance because it does not alter an amino acid residue, is not located within the splice consensus sequence, and has been identified in 0.1% (2/3728) of Afric an American chromosomes from a broad population by the NHLBI Exome Sequencing Pr oject (dbSNP rs140427062).

Breakthrough Genomics
Classification: Likely benign. Review status: criteria provided, single submitter. Criteria: ACMG Guidelines, 2015. Collection method: not provided. Allele origin: germline. Inheritance: Autosomal recessive inheritance. Affected: yes.

Clinical Genomics, Uppaluri K&H Personalized Medicine Clinic
Classification: Benign for Wolfram syndrome 1. Review status: criteria provided, single submitter. Criteria: K & H Uppaluri Personalized Medicine Clinic Variant Classification & Assertion Criteria_Updated V.1. Collection method: research. Allele origin: unknown. Inheritance: Autosomal recessive inheritance.
Comment: Potent mutations in WFS1 gene are associated with Wolfram's syndrome, an autosomal recessive condition, which cause diabetes mellitus, diabetes insipidus, deafness and optic atrophy. However no sufficient evidence is found to ascertain the role of this particular variant rs140427062 in Wolfram's syndrome yet.

Clinical Genetics DNA and cytogenetics Diagnostics Lab, Erasmus MC, Erasmus Medical Center
Classification: Likely benign. Review status: no assertion criteria provided. Collection method: clinical testing. Allele origin: germline. Affected: yes. Study: VKGL Data-share Consensus. Not counted in ClinVar's aggregate classification.

Clinical Genetics, Academic Medical Center
Classification: Benign. Review status: no assertion criteria provided. Collection method: clinical testing. Allele origin: germline. Affected: yes. Study: VKGL Data-share Consensus. Not counted in ClinVar's aggregate classification.

Laboratory of Diagnostic Genome Analysis, Leiden University Medical Center (LUMC)
Classification: Likely benign. Review status: no assertion criteria provided. Collection method: clinical testing. Allele origin: germline. Affected: yes. Study: VKGL Data-share Consensus. Not counted in ClinVar's aggregate classification.

Literature cited by the submitters: PubMed 20738327 (cited by Clinical Genomics, Uppaluri K&H Personalized Medicine Clinic); PubMed 33879153 (cited by Clinical Genomics, Uppaluri K&H Personalized Medicine Clinic); PubMed 12955714 (cited by Clinical Genomics, Uppaluri K&H Personalized Medicine Clinic); PubMed 18060660 (cited by Clinical Genomics, Uppaluri K&H Personalized Medicine Clinic); PubMed 20301750 (cited by Clinical Genomics, Uppaluri K&H Personalized Medicine Clinic); PubMed 17603484 (cited by Clinical Genomics, Uppaluri K&H Personalized Medicine Clinic).

NM_006005.3(WFS1):c.2202C>T (p.Leu734=)

Gene: WFS1 (wolframin ER transmembrane glycoprotein; plus strand). Cytogenetic location: 4p16.1.
Variant type: single nucleotide variant.
Coding change: c.2202C>T on transcript NM_006005.3 (MANE Select); coding-DNA position 2202, C replaced by T.
Protein change: p.Leu734=; no amino-acid change (leucine 734 retained).
Molecular consequence: synonymous variant.
Genome position (GRCh38, 1-based): chr4:6,301,997, C>T. VCF-style: chr4-6301997-C-T. GRCh37 (hg19) VCF-style: chr4-6303724-C-T.
Other names: c.2202C>T, p.Leu734= (NM_001145853.1).
Identifiers: ClinVar variation 45450 (VCV000045450.29), dbSNP rs140427062, ClinGen allele CA136350.